The following is an entry in ClinVar:

ClinVar aggregate classification (germline): Uncertain significance (1 of 4 stars; one submission).

Allele frequency attached by ClinVar (database versions not stated): TOPMed below 0.00001.

Submission:

Labcorp Genetics (formerly Invitae), Labcorp
Classification: Uncertain significance. Last evaluated: 2019-02-15. Review status: criteria provided, single submitter. Criteria: Invitae Variant Classification Sherloc (09022015). Collection method: clinical testing. Allele origin: germline.
Comment: In summary, the available evidence is currently insufficient to determine the role of this variant in disease. Therefore, it has been classified as a Variant of Uncertain Significance. Nucleotide substitutions within the consensus splice site are a relatively common cause of aberrant splicing (PMID: 17576681, 9536098). Algorithms developed to predict the effect of sequence changes on RNA splicing suggest that this variant may disrupt the consensus splice site, but this prediction has not been confirmed by published transcriptional studies. This variant has not been reported in the literature in individuals with PLEKHM2-related conditions. This variant is not present in population databases (ExAC no frequency). This sequence change falls in intron 8 of the PLEKHM2 gene. It does not directly change the encoded amino acid sequence of the PLEKHM2 protein, but it affects a nucleotide within the consensus splice site of the intron.

Literature cited by the submitters: PubMed 17576681; PubMed 9536098.

NM_015164.4(PLEKHM2):c.941+4A>T

Gene: PLEKHM2 (pleckstrin homology and RUN domain containing M2; plus strand). Cytogenetic location: 1p36.21.
Variant type: single nucleotide variant.
Coding change: c.941+4A>T on transcript NM_015164.4 (MANE Select); 4 bases into the intron after coding-DNA position 941, A replaced by T.
Molecular consequence: intron variant.
Genome position (GRCh38, 1-based): chr1:15,725,549, A>T. VCF-style: chr1-15725549-A-T. GRCh37 (hg19) VCF-style: chr1-16052044-A-T.
Identifiers: ClinVar variation 860256 (VCV000860256.7), dbSNP rs1571063613, ClinGen allele CA916082000.